The following is an entry in ClinVar:

ClinVar aggregate classification (germline): Uncertain significance (1 of 4 stars; one submission).

Submission:

Labcorp Genetics (formerly Invitae), Labcorp
Classification: Uncertain significance. Last evaluated: 2024-09-18. Review status: criteria provided, single submitter. Criteria: Invitae Variant Classification Sherloc (09022015). Collection method: clinical testing. Allele origin: germline.
Comment: This sequence change replaces phenylalanine, which is neutral and non-polar, with leucine, which is neutral and non-polar, at codon 681 of the TMPRSS15 protein (p.Phe681Leu). This variant is not present in population databases (gnomAD no frequency). This variant has not been reported in the literature in individuals affected with TMPRSS15-related conditions. An algorithm developed to predict the effect of missense changes on protein structure and function outputs the following: PolyPhen-2: "Benign". The leucine amino acid residue is found in multiple mammalian species, which suggests that this missense change does not adversely affect protein function. In summary, the available evidence is currently insufficient to determine the role of this variant in disease. Therefore, it has been classified as a Variant of Uncertain Significance.

NM_002772.3(TMPRSS15):c.2041T>C (p.Phe681Leu)

Gene: TMPRSS15 (transmembrane serine protease 15; minus strand). Cytogenetic location: 21q21.1.
Variant type: single nucleotide variant.
Coding change: c.2041T>C on transcript NM_002772.3 (MANE Select); coding-DNA position 2041, T replaced by C.
Protein change: p.Phe681Leu; replaces phenylalanine 681 with leucine.
Molecular consequence: missense variant.
Genome position (GRCh38, 1-based): chr21:18,313,069, A>G on the plus strand (T>C on the coding strand, the complement: TMPRSS15 is on the minus strand). VCF-style: chr21-18313069-A-G. GRCh37 (hg19) VCF-style: chr21-19685386-A-G.
Other names: c.2176T>C, p.Phe726Leu (NM_001428056.1); c.2041T>C, p.Phe681Leu (NM_001428057.1); short protein forms F726L, F681L.
Identifiers: ClinVar variation 3654014 (VCV003654014.2).